The following is an entry in ClinVar:

ClinVar aggregate classification (germline): Likely pathogenic (1 of 4 stars; one submission).

Conditions:
Ectodermal dysplasia and immunodeficiency 1 (EDAID1). Also called: ECTODERMAL DYSPLASIA AND IMMUNE DEFICIENCY 1; Hyper-IgM immunodeficiency, X-linked, with hypohidrotic ectodermal dysplasia; ECTODERMAL DYSPLASIA, ANHIDROTIC, WITH IMMUNE DEFICIENCY. Identifiers: Orphanet 238468, Orphanet 98813, MedGen C1846008, MONDO:0020740, OMIM 300291.

Submission:

Women's Health and Genetics/Laboratory Corporation of America, LabCorp
Classification: Likely pathogenic for Hypohidrotic Ectodermal Dysplasia with Immune Deficiency. Last evaluated: 2011-08-18. Review status: criteria provided, single submitter. Criteria: LabCorp Variant Classification Summary - May 2015. Collection method: curation, clinical testing. Allele origin: germline. Inheritance: Xlinked unknown. Affected: yes.
ClinVar note: Converted during submission from likely pathogenic to Likely pathogenic.

NM_001099857.5(IKBKG):c.262GAG[1] (p.Glu89del)

Gene: IKBKG (inhibitor of nuclear factor kappa B kinase regulatory subunit gamma; plus strand). Cytogenetic location: Xq28.
Variant type: Microsatellite.
Coding change: c.262GAG[1] on transcript NM_001099857.5 (MANE Select); one copy of the 3-base unit GAG starting at c.262; the reference has two copies in a row; one copy, 3 bases deleted.
Protein change: p.Glu89del; deletes glutamic acid 89.
Molecular consequence: inframe deletion. On other transcripts: non-coding transcript variant (1).
Genome position (GRCh38, 1-based): chrX:154,556,242-154,556,244, GAG deleted; deleting any 3 consecutive bases within chrX:154,556,238-154,556,244 gives the same sequence; the position shown is the placement nearest the transcript's 3' end. VCF-style (leftmost placement, unchanged base first): chrX-154556237-GGGA-G. GRCh37 (hg19) VCF-style: chrX-153784452-GGGA-G.
Other names: c.466GAG[1], p.Glu157del (NM_001099856.6); c.262GAG[1], p.Glu89del (NM_001145255.4, NM_001321396.3, NM_001321397.3 and 5 more transcripts); short protein forms E89del, E157del.
Identifiers: ClinVar variation 36380 (VCV000036380.3), dbSNP rs386134238, ClinGen allele CA214031.